The following is an entry in ClinVar:

ClinVar aggregate classification (germline): Uncertain significance (1 of 4 stars; one submission).

Conditions:
Charcot-Marie-Tooth disease type 2. Also called: Charcot-Marie-Tooth type 2. Identifiers: Orphanet 64746, MedGen C0270914, MONDO:0018993.

Submission:

Labcorp Genetics (formerly Invitae), Labcorp
Classification: Uncertain significance for Charcot-Marie-Tooth disease type 2. Last evaluated: 2022-06-20. Review status: criteria provided, single submitter. Criteria: Invitae Variant Classification Sherloc (09022015). Collection method: clinical testing. Allele origin: germline.
Comment: In summary, the available evidence is currently insufficient to determine the role of this variant in disease. Therefore, it has been classified as a Variant of Uncertain Significance. Algorithms developed to predict the effect of missense changes on protein structure and function (SIFT, PolyPhen-2, Align-GVGD) all suggest that this variant is likely to be disruptive. This variant has not been reported in the literature in individuals affected with MED25-related conditions. This variant is not present in population databases (gnomAD no frequency). This sequence change replaces valine, which is neutral and non-polar, with alanine, which is neutral and non-polar, at codon 417 of the MED25 protein (p.Val417Ala).

NM_030973.4(MED25):c.1250T>C (p.Val417Ala)

Gene: MED25 (mediator complex subunit 25; plus strand). Cytogenetic location: 19q13.33.
Variant type: single nucleotide variant.
Coding change: c.1250T>C on transcript NM_030973.4 (MANE Select); coding-DNA position 1250, T replaced by C.
Protein change: p.Val417Ala; replaces valine 417 with alanine.
Molecular consequence: missense variant.
Genome position (GRCh38, 1-based): chr19:49,831,955, T>C. VCF-style: chr19-49831955-T-C. GRCh37 (hg19) VCF-style: chr19-50335212-T-C.
Other names: c.1250T>C, p.Val417Ala (NM_001378355.1); short protein forms V417A.
Identifiers: ClinVar variation 1525164 (VCV001525164.6), dbSNP rs2123882109, ClinGen allele CA406916641.